The following is an entry in ClinVar:

NM_144701.3(IL23R):c.58T>C (p.Trp20Arg)

Gene: IL23R (interleukin 23 receptor; plus strand). Cytogenetic location: 1p31.3.
Variant type: single nucleotide variant.
Coding change: c.58T>C on transcript NM_144701.3 (MANE Select); coding-DNA position 58, T replaced by C.
Protein change: p.Trp20Arg; replaces tryptophan 20 with arginine.
Molecular consequence: missense variant.
Genome position (GRCh38, 1-based): chr1:67,168,178, T>C. VCF-style: chr1-67168178-T-C. GRCh37 (hg19) VCF-style: chr1-67633861-T-C.
Other names: short protein forms W20R.
Identifiers: ClinVar variation 2973723 (VCV002973723.3), dbSNP rs2525198587, ClinGen allele CA340731861.

ClinVar aggregate classification (germline): Uncertain significance (1 of 4 stars; one submission).

Allele frequency attached by ClinVar (database versions not stated): gnomAD exomes below 0.00001.
gnomAD v4.1: 3 of 1,607,792 alleles (0.00019%); highest among the groups gnomAD compares: Non-Finnish European, 0.00026%; no homozygotes.

Submission:

Labcorp Genetics (formerly Invitae), Labcorp
Classification: Uncertain significance. Last evaluated: 2023-10-06. Review status: criteria provided, single submitter. Criteria: Invitae Variant Classification Sherloc (09022015). Collection method: clinical testing. Allele origin: germline.
Comment: This sequence change replaces tryptophan, which is neutral and slightly polar, with arginine, which is basic and polar, at codon 20 of the IL23R protein (p.Trp20Arg). This variant is not present in population databases (gnomAD no frequency). This variant has not been reported in the literature in individuals affected with IL23R-related conditions. An algorithm developed to predict the effect of missense changes on protein structure and function (PolyPhen-2) suggests that this variant is likely to be disruptive. In summary, the available evidence is currently insufficient to determine the role of this variant in disease. Therefore, it has been classified as a Variant of Uncertain Significance.